The following is an entry in ClinVar:

ClinVar aggregate classification (germline): Uncertain significance. Review status: criteria provided, multiple submitters, no conflicts (2 of 4 stars). 3 submissions from 3 submitters: Uncertain significance (3). Last evaluated 2026-02-01.

Conditions:
Short QT syndrome type 3. Identifiers: Orphanet 51083, MedGen C1865018, MONDO:0012314, OMIM 609622.
Andersen Tawil syndrome (LQT7). Also called: Potassium-sensitive periodic paralysis, ventricular ectopy, and dysmorphic features; Andersen Syndrome; ANDERSEN CARDIODYSRHYTHMIC PERIODIC PARALYSIS; LONG QT SYNDROME 7; PERIODIC PARALYSIS, POTASSIUM-SENSITIVE CARDIODYSRHYTHMIC TYPE. Identifiers: Orphanet 37553, MedGen C1563715, MONDO:0008222, OMIM 170390.
Cardiovascular phenotype. Identifiers: MedGen CN230736.

Allele frequency attached by ClinVar (database versions not stated): gnomAD exomes below 0.00001 and 0.00001; TOPMed below 0.00001; ExAC 0.00002.

Submissions (3):

Labcorp Genetics (formerly Invitae), Labcorp
Classification: Uncertain significance for Short QT syndrome type 3; Andersen Tawil syndrome. Last evaluated: 2026-02-01. Review status: criteria provided, single submitter. Criteria: Invitae Variant Classification Sherloc (09022015). Collection method: clinical testing. Allele origin: germline.
Comment: This sequence change replaces arginine, which is basic and polar, with glutamine, which is neutral and polar, at codon 423 of the KCNJ2 protein (p.Arg423Gln). This variant is present in population databases (rs745372216, gnomAD 0.003%). This variant has not been reported in the literature in individuals affected with KCNJ2-related conditions. ClinVar contains an entry for this variant (Variation ID: 222677). Invitae Evidence Modeling of protein sequence and biophysical properties (such as structural, functional, and spatial information, amino acid conservation, physicochemical variation, residue mobility, and thermodynamic stability) indicates that this missense variant is expected to disrupt KCNJ2 protein function with a positive predictive value of 95%. In summary, the available evidence is currently insufficient to determine the role of this variant in disease. Therefore, it has been classified as a Variant of Uncertain Significance.

Blueprint Genetics
Classification: Uncertain significance. Last evaluated: 2023-09-27. Review status: criteria provided, single submitter. Criteria: ACMG Guidelines, 2015. Collection method: clinical testing. Allele origin: germline.

Ambry Genetics
Classification: Uncertain significance for Cardiovascular phenotype. Last evaluated: 2023-03-28. Review status: criteria provided, single submitter. Criteria: Ambry Variant Classification Scheme 2023. Collection method: clinical testing. Allele origin: germline.
Comment: The p.R423Q variant (also known as c.1268G>A), located in coding exon 1 of the KCNJ2 gene, results from a G to A substitution at nucleotide position 1268. The arginine at codon 423 is replaced by glutamine, an amino acid with highly similar properties. This amino acid position is highly conserved in available vertebrate species. In addition, the in silico prediction for this alteration is inconclusive. Since supporting evidence is limited at this time, the clinical significance of this alteration remains unclear.

NM_000891.3(KCNJ2):c.1268G>A (p.Arg423Gln)

Gene: KCNJ2 (potassium inwardly rectifying channel subfamily J member 2; plus strand). Cytogenetic location: 17q24.3.
Variant type: single nucleotide variant.
Coding change: c.1268G>A on transcript NM_000891.3 (MANE Select); coding-DNA position 1268, G replaced by A.
Protein change: p.Arg423Gln; replaces arginine 423 with glutamine.
Molecular consequence: missense variant.
Genome position (GRCh38, 1-based): chr17:70,176,307, G>A. VCF-style: chr17-70176307-G-A. GRCh37 (hg19) VCF-style: chr17-68172448-G-A.
Other names: short protein forms R423Q.
Identifiers: ClinVar variation 222677 (VCV000222677.13), dbSNP rs745372216, ClinGen allele CA353940.